The following is an entry in ClinVar:

ClinVar aggregate classification (germline): Conflicting classifications of pathogenicity. Review status: criteria provided, conflicting classifications (1 of 4 stars). 3 submissions from 3 submitters: Pathogenic (1); Likely pathogenic (1); Uncertain significance (1). Last evaluated 2025-10-07.

Conditions:
Hyperprolinemia type 2 (HYRPRO2). Also called: Delta-1-pyrroline-5-carboxylate dehydrogenase deficiency; 1-PYRROLINE-5-CARBOXYLATE DEHYDROGENASE DEFICIENCY; Deficiency of pyrroline-5-carboxylate reductase. Identifiers: Orphanet 79101, MedGen C2931835, MONDO:0009401, OMIM 239510.

Submissions (3):

Dasa
Classification: Likely pathogenic. Last evaluated: 2025-10-07. Review status: criteria provided, single submitter. Criteria: DASA Assertion Criteria. Collection method: clinical testing. Allele origin: germline.
Comment: NM_003748.4(ALDH4A1):c.1326del (p.Ile443Serfs*2) is a frameshift variant in ALDH4A1 predicted to alter the reading frame and introduce a premature termination codon and is predicted to result in an absent or altered protein product. Loss of function is an established disease mechanism for ALDH4A1-associated disorders. Also, this variant is rare in population databases. Based on the currently available evidence, this variant is classified as likely pathogenic.

Labcorp Genetics (formerly Invitae), Labcorp
Classification: Pathogenic for Hyperprolinemia type 2. Last evaluated: 2024-06-26. Review status: criteria provided, single submitter. Criteria: Invitae Variant Classification Sherloc (09022015). Collection method: clinical testing. Allele origin: germline.
Comment: This sequence change creates a premature translational stop signal (p.Ile443Serfs*2) in the ALDH4A1 gene. It is expected to result in an absent or disrupted protein product. Loss-of-function variants in ALDH4A1 are known to be pathogenic (PMID: 956388, 4369405, 9700195). This variant is present in population databases (rs749148509, gnomAD 0.05%). This variant has not been reported in the literature in individuals affected with ALDH4A1-related conditions. For these reasons, this variant has been classified as Pathogenic.

GeneDx
Classification: Uncertain significance. Last evaluated: 2023-06-28. Review status: criteria provided, single submitter. Criteria: GeneDx Variant Classification Process June 2021. Collection method: clinical testing. Allele origin: germline. Affected: yes.
Comment: Frameshift variant predicted to result in protein truncation or nonsense mediated decay in a gene for which loss of function is a known mechanism of disease; Has not been previously published as pathogenic or benign to our knowledge

Literature cited by the submitters: PubMed 956388 (cited by Labcorp Genetics (formerly Invitae), Labcorp); PubMed 4369405 (cited by Labcorp Genetics (formerly Invitae), Labcorp); PubMed 9700195 (cited by Labcorp Genetics (formerly Invitae), Labcorp).

NM_003748.4(ALDH4A1):c.1326del (p.Ile443fs)

Gene: ALDH4A1 (aldehyde dehydrogenase 4 family member A1; minus strand). Cytogenetic location: 1p36.13.
Variant type: Deletion.
Coding change: c.1326del on transcript NM_003748.4 (MANE Select); coding-DNA position 1326, one base deleted (C; older notation c.1326delC).
Protein change: p.Ile443fs; shifts the reading frame from isoleucine 443.
Molecular consequence: frameshift variant. On other transcripts: intron variant (1).
Genome position (GRCh38, 1-based): chr1:18,876,327, G deleted on the plus strand (C on the coding strand, the reverse complement: ALDH4A1 is on the minus strand); the first of 3 consecutive G bases (chr1:18,876,327-18,876,329); deleting any one gives the same sequence. VCF-style (leftmost placement, unchanged base first): chr1-18876326-TG-T. GRCh37 (hg19) VCF-style: chr1-19202820-TG-T.
Other names: c.1146del, p.Ile383fs (NM_001161504.2); c.1326del, p.Ile443fs (NM_170726.3); c.1186-824del (NM_001319218.2); short protein forms I383fs, I443fs.
Identifiers: ClinVar variation 3360664 (VCV003360664.5).